The following is an entry in ClinVar:

NM_001009944.3(PKD1):c.215+1G>C

Gene: PKD1 (polycystin 1, transient receptor potential channel interacting; minus strand). Cytogenetic location: 16p13.3.
Variant type: single nucleotide variant.
Coding change: c.215+1G>C on transcript NM_001009944.3 (MANE Select); the canonical splice donor site of the intron after coding-DNA position 215, G replaced by C.
Molecular consequence: splice donor variant.
Genome position (GRCh38, 1-based): chr16:2,135,474, C>G on the plus strand (G>C on the coding strand, the complement: PKD1 is on the minus strand). VCF-style: chr16-2135474-C-G. GRCh37 (hg19) VCF-style: chr16-2185475-C-G.
Other names: c.215+1G>C (NM_000296.4).
Identifiers: ClinVar variation 432433 (VCV000432433.3), dbSNP rs1555462433, ClinGen allele CA394282115.

ClinVar aggregate classification (germline): Pathogenic (1 of 4 stars; one submission).

Submission:

GeneDx
Classification: Pathogenic. Last evaluated: 2025-07-24. Review status: criteria provided, single submitter. Criteria: GeneDx Variant Classification Process June 2021. Collection method: clinical testing. Allele origin: germline. Affected: yes.
Comment: Canonical splice site variant predicted to result in a null allele in a gene for which loss of function is a known mechanism of disease; Not observed at significant frequency in large population cohorts (gnomAD); Has not been previously published as pathogenic or benign to our knowledge